The following is an entry in ClinVar:

ClinVar aggregate classification (germline): Pathogenic (1 of 4 stars; one submission).

Submission:

Labcorp Genetics (formerly Invitae), Labcorp
Classification: Pathogenic. Last evaluated: 2024-06-05. Review status: criteria provided, single submitter. Criteria: Invitae Variant Classification Sherloc (09022015). Collection method: clinical testing. Allele origin: germline.
Comment: This sequence change creates a premature translational stop signal (p.Tyr401*) in the SLC45A2 gene. It is expected to result in an absent or disrupted protein product. Loss-of-function variants in SLC45A2 are known to be pathogenic (PMID: 21458243, 26573111). This variant is present in population databases (rs771984796, gnomAD 0.0009%). This variant has not been reported in the literature in individuals affected with SLC45A2-related conditions. For these reasons, this variant has been classified as Pathogenic.

Literature cited by the submitters: PubMed 21458243; PubMed 26573111.

NM_016180.5(SLC45A2):c.1202_1203insACTACATTGGATTAAAGGGTCTTTA (p.Tyr401Ter)

Gene: SLC45A2 (solute carrier family 45 member 2; minus strand). Cytogenetic location: 5p13.2.
Variant type: Insertion.
Coding change: c.1202_1203insACTACATTGGATTAAAGGGTCTTTA on transcript NM_016180.5 (MANE Select); coding-DNA positions 1202 to 1203, ACTACATTGGATTAAAGGGTCTTTA inserted.
Protein change: p.Tyr401Ter; replaces tyrosine 401 with a stop codon.
Molecular consequence: nonsense.
Genome position: GRCh38 VCF-style: chr5-33947328-G-GTAAAGACCCTTTAATCCAATGTAGT. GRCh37 (hg19) VCF-style: chr5-33947433-G-GTAAAGACCCTTTAATCCAATGTAGT.
Other names: c.1202_1203insACTACATTGGATTAAAGGGTCTTTA, p.Tyr401Ter (NM_001012509.4); short protein forms Y401*.
Identifiers: ClinVar variation 2802357 (VCV002802357.3), dbSNP rs771984796, ClinGen allele CA3225537.